The following is an entry in ClinVar:

NM_005236.3(ERCC4):c.2017G>A (p.Gly673Ser)

Gene: ERCC4 (ERCC excision repair 4, endonuclease catalytic subunit; plus strand). Cytogenetic location: 16p13.12.
Variant type: single nucleotide variant.
Coding change: c.2017G>A on transcript NM_005236.3 (MANE Select); coding-DNA position 2017, G replaced by A.
Protein change: p.Gly673Ser; replaces glycine 673 with serine.
Molecular consequence: missense variant.
Genome position (GRCh38, 1-based): chr16:13,944,835, G>A. VCF-style: chr16-13944835-G-A. GRCh37 (hg19) VCF-style: chr16-14038692-G-A.
Other names: short protein forms G673S.
Identifiers: ClinVar variation 2441287 (VCV002441287.5), dbSNP rs760553358, ClinGen allele CA7910638.

ClinVar aggregate classification (germline): Uncertain significance. Review status: criteria provided, multiple submitters, no conflicts (2 of 4 stars). 3 submissions from 3 submitters: Uncertain significance (3). Last evaluated 2025-08-03.

Conditions:
Fanconi anemia complementation group Q. Identifiers: Orphanet 84, MedGen C3808988, MONDO:0014108, OMIM 615272.
Xeroderma pigmentosum, group F (XPF). Also called: XERODERMA PIGMENTOSUM, COMPLEMENTATION GROUP F; ERCC4-Related Xeroderma Pigmentosum; XERODERMA PIGMENTOSUM VI; XP, GROUP F; XERODERMA PIGMENTOSUM, TYPE F; Xeroderma pigmentosum, type 6. Identifiers: MedGen C0268140, MONDO:0010215, OMIM 278760.
Cockayne syndrome. Identifiers: Orphanet 191, MedGen C0009207, MONDO:0016006.

Allele frequency attached by ClinVar (database versions not stated): TOPMed 0.00001.
gnomAD v4.1: 16 of 1,590,686 alleles (0.001%); highest among the groups gnomAD compares: Admixed American, 0.0033%; no homozygotes.

Submissions (3):

Labcorp Genetics (formerly Invitae), Labcorp
Classification: Uncertain significance for Fanconi anemia complementation group Q; Xeroderma pigmentosum, group F; Cockayne syndrome. Last evaluated: 2025-08-03. Review status: criteria provided, single submitter. Criteria: Invitae Variant Classification Sherloc (09022015). Collection method: clinical testing. Allele origin: germline.
Comment: This sequence change replaces glycine, which is neutral and non-polar, with serine, which is neutral and polar, at codon 673 of the ERCC4 protein (p.Gly673Ser). This variant also falls at the last nucleotide of exon 10, which is part of the consensus splice site for this exon. This variant is present in population databases (rs760553358, gnomAD 0.006%). This variant has not been reported in the literature in individuals affected with ERCC4-related conditions. ClinVar contains an entry for this variant (Variation ID: 2441287). An algorithm developed to predict the effect of missense changes on protein structure and function (PolyPhen-2) suggests that this variant is likely to be disruptive. Variants that disrupt the consensus splice site are a relatively common cause of aberrant splicing (PMID: 17576681, 9536098). Algorithms developed to predict the effect of sequence changes on RNA splicing suggest that this variant may disrupt the consensus splice site. In summary, the available evidence is currently insufficient to determine the role of this variant in disease. Therefore, it has been classified as a Variant of Uncertain Significance.

Blueprint Genetics
Classification: Uncertain significance. Last evaluated: 2024-10-08. Review status: criteria provided, single submitter. Criteria: ACMG Guidelines, 2015. Collection method: clinical testing. Allele origin: germline.

Revvity Omics, Revvity
Classification: Uncertain significance. Last evaluated: 2021-08-03. Review status: criteria provided, single submitter. Criteria: ACMG Guidelines, 2015. Collection method: clinical testing. Allele origin: germline.

Literature cited by the submitters: PubMed 17576681 (cited by Labcorp Genetics (formerly Invitae), Labcorp); PubMed 9536098 (cited by Labcorp Genetics (formerly Invitae), Labcorp).